The following is an entry in ClinVar:

NM_021076.4(NEFH):c.337_338delinsAT (p.Asp113Ile)

Gene: NEFH (neurofilament heavy chain; plus strand). Cytogenetic location: 22q12.2.
Variant type: Indel.
Coding change: c.337_338delinsAT on transcript NM_021076.4 (MANE Select); coding-DNA positions 337 to 338, GA replaced by AT.
Protein change: p.Asp113Ile; replaces aspartic acid 113 with isoleucine.
Molecular consequence: missense variant.
Genome position (GRCh38, 1-based): chr22:29,480,599-29,480,600, GA replaced by AT. VCF-style: chr22-29480599-GA-AT. GRCh37 (hg19) VCF-style: chr22-29876588-GA-AT.
Other names: short protein forms D113I.
Identifiers: ClinVar variation 3610461 (VCV003610461.2).

ClinVar aggregate classification (germline): Uncertain significance (1 of 4 stars; one submission).

Submission:

Labcorp Genetics (formerly Invitae), Labcorp
Classification: Uncertain significance. Last evaluated: 2024-08-29. Review status: criteria provided, single submitter. Criteria: Invitae Variant Classification Sherloc (09022015). Collection method: clinical testing. Allele origin: germline.
Comment: This sequence change replaces aspartic acid, which is acidic and polar, with isoleucine, which is neutral and non-polar, at codon 113 of the NEFH protein (p.Asp113Ile). Information on the frequency of this variant in the gnomAD database is not available, as this variant may be reported differently in the database. This variant has not been reported in the literature in individuals affected with NEFH-related conditions. Experimental studies and prediction algorithms are not available or were not evaluated, and the functional significance of this variant is currently unknown. In summary, the available evidence is currently insufficient to determine the role of this variant in disease. Therefore, it has been classified as a Variant of Uncertain Significance.